The following is an entry in ClinVar:

ClinVar aggregate classification (germline): Benign/Likely benign. Review status: criteria provided, multiple submitters, no conflicts (2 of 4 stars). 6 submissions from 6 submitters: Benign (2); Likely benign (3). 1 of the submissions does not count toward it. Last evaluated 2025-08-18.

Conditions:
Early-infantile DEE. Also called: Ohtahara syndrome; Early infantile epileptic encephalopathy; Early infantile epileptic encephalopathy with suppression bursts. Identifiers: Orphanet 1934, MedGen C0393706, MONDO:0800491.
SPTAN1-related disorder. Also called: SPTAN1-related condition; SPTAN1-related disorders.
Inborn genetic diseases. Identifiers: MedGen C0950123, MeSH D030342.
Developmental and epileptic encephalopathy, 5 (DEE5). Identifiers: Orphanet 3451, MedGen C3150731, MONDO:0013277, OMIM 613477.

Allele frequency attached by ClinVar (database versions not stated): gnomAD below 0.00001 and 0.00017; TOPMed 0.00001; ESP Exome Variant Server 0.00008; gnomAD exomes 0.00024; 1000 Genomes Project 30x 0.00109; 1000 Genomes Project 0.00120.
gnomAD v4.1: 374 of 1,614,018 alleles (0.023%); highest among the groups gnomAD compares: South Asian, 0.39%; 5 homozygotes.

Submissions (6):

Labcorp Genetics (formerly Invitae), Labcorp
Classification: Benign for Early-infantile DEE. Last evaluated: 2025-08-18. Review status: criteria provided, single submitter. Criteria: Invitae Variant Classification Sherloc (09022015). Collection method: clinical testing. Allele origin: germline.

Ambry Genetics
Classification: Likely benign for Inborn genetic diseases. Last evaluated: 2025-05-14. Review status: criteria provided, single submitter. Criteria: Ambry Variant Classification Scheme 2023. Collection method: clinical testing. Allele origin: germline.

Blueprint Genetics
Classification: Likely benign. Last evaluated: 2024-09-10. Review status: criteria provided, single submitter. Criteria: ACMG Guidelines, 2015. Collection method: clinical testing. Allele origin: germline.

Genome-Nilou Lab
Classification: Benign for Developmental and epileptic encephalopathy, 5. Last evaluated: 2021-07-15. Review status: criteria provided, single submitter. Criteria: ACMG Guidelines, 2015. Collection method: clinical testing. Allele origin: germline. Affected: no.

GeneDx
Classification: Likely benign. Last evaluated: 2021-04-23. Review status: criteria provided, single submitter. Criteria: GeneDx Variant Classification Process June 2021. Collection method: clinical testing. Allele origin: germline. Affected: yes.

PreventionGenetics, part of Exact Sciences
Classification: Benign for SPTAN1-related condition. Last evaluated: 2023-12-01. Review status: no assertion criteria provided. Collection method: clinical testing. Allele origin: germline. Not counted in ClinVar's aggregate classification.
Comment: This variant is classified as benign based on ACMG/AMP sequence variant interpretation guidelines (Richards et al. 2015 PMID: 25741868, with internal and published modifications).

NM_001130438.3(SPTAN1):c.1688T>C (p.Met563Thr)

Gene: SPTAN1 (spectrin alpha, non-erythrocytic 1; plus strand). Cytogenetic location: 9q34.11.
Variant type: single nucleotide variant.
Coding change: c.1688T>C on transcript NM_001130438.3 (MANE Select); coding-DNA position 1688, T replaced by C.
Protein change: p.Met563Thr; replaces methionine 563 with threonine.
Molecular consequence: missense variant.
Genome position (GRCh38, 1-based): chr9:128,582,731, T>C. VCF-style: chr9-128582731-T-C. GRCh37 (hg19) VCF-style: chr9-131345010-T-C.
Other names: p.M563T:ATG>ACG; c.1688T>C, p.Met563Thr (NM_001195532.2, NM_001363759.2, NM_001363765.2 and 1 more transcripts); short protein forms M563T.
Identifiers: ClinVar variation 207263 (VCV000207263.18), dbSNP rs377387388, ClinGen allele CA318568.